The following is an entry in ClinVar:

NM_024753.5(TTC21B):c.2180T>C (p.Leu727Pro)

Gene: TTC21B (tetratricopeptide repeat domain 21B; minus strand). Cytogenetic location: 2q24.3.
Variant type: single nucleotide variant.
Coding change: c.2180T>C on transcript NM_024753.5 (MANE Select); coding-DNA position 2180, T replaced by C.
Protein change: p.Leu727Pro; replaces leucine 727 with proline.
Molecular consequence: missense variant.
Genome position (GRCh38, 1-based): chr2:165,913,605, A>G on the plus strand (T>C on the coding strand, the complement: TTC21B is on the minus strand). VCF-style: chr2-165913605-A-G. GRCh37 (hg19) VCF-style: chr2-166770115-A-G.
Other names: short protein forms L727P.
Identifiers: ClinVar variation 1990785 (VCV001990785.1), dbSNP rs1489788581, ClinGen allele CA349058335.

ClinVar aggregate classification (germline): Uncertain significance (1 of 4 stars; one submission).

Conditions:
Nephronophthisis. Also called: Juvenile Nephronophthisis. Identifiers: Orphanet 655, MedGen C0687120, MONDO:0019005, HP:0000090.
Jeune thoracic dystrophy. Also called: Jeune syndrome; Infantile thoracic dystrophy; Thoracic pelvic phalangeal dystrophy; Jeune's syndrome; Chondroectodermal dysplasia-like syndrome; Short-rib thoracic dysplasia. Identifiers: Orphanet 474, MedGen C0265275, MONDO:0018770.

Allele frequency attached by ClinVar (database versions not stated): gnomAD 0.00001; TOPMed 0.00001; gnomAD exomes 0.00003.
gnomAD v4.1: 17 of 1,613,012 alleles (0.0011%); highest among the groups gnomAD compares: African/African-American, 0.0013%; no homozygotes.

Submission:

Labcorp Genetics (formerly Invitae), Labcorp
Classification: Uncertain significance for Jeune thoracic dystrophy; Nephronophthisis. Last evaluated: 2022-05-31. Review status: criteria provided, single submitter. Criteria: Invitae Variant Classification Sherloc (09022015). Collection method: clinical testing. Allele origin: germline.
Comment: This sequence change replaces leucine, which is neutral and non-polar, with proline, which is neutral and non-polar, at codon 727 of the TTC21B protein (p.Leu727Pro). This variant is present in population databases (no rsID available, gnomAD 0.02%). This variant has not been reported in the literature in individuals affected with TTC21B-related conditions. Algorithms developed to predict the effect of missense changes on protein structure and function are either unavailable or do not agree on the potential impact of this missense change (SIFT: "Deleterious"; PolyPhen-2: "Probably Damaging"; Align-GVGD: "Class C0"). In summary, the available evidence is currently insufficient to determine the role of this variant in disease. Therefore, it has been classified as a Variant of Uncertain Significance.